The following is an entry in ClinVar:

ClinVar aggregate classification (germline): Likely benign (1 of 4 stars; one submission).

Conditions:
Hereditary diffuse gastric adenocarcinoma (HDGC). Also called: DIFFUSE GASTRIC AND LOBULAR BREAST CANCER SYNDROME. Identifiers: Orphanet 26106, MedGen C1708349, MONDO:0007648, OMIM 137215.

Submission:

Myriad Genetics, Inc.
Classification: Likely benign for Hereditary diffuse gastric adenocarcinoma. Last evaluated: 2024-09-13. Review status: criteria provided, single submitter. Criteria: Myriad Autosomal Dominant, Autosomal Recessive and X-Linked Classification Criteria (2023). Collection method: clinical testing. Allele origin: unknown.
Comment: This variant is considered likely benign. This variant is intronic and is not expected to impact mRNA splicing.

NM_004360.5(CDH1):c.688-16C>T

Gene: CDH1 (cadherin 1; plus strand). Cytogenetic location: 16q22.1.
Variant type: single nucleotide variant.
Coding change: c.688-16C>T on transcript NM_004360.5 (MANE Select); 16 bases into the intron before coding-DNA position 688, C replaced by T.
Molecular consequence: intron variant.
Genome position (GRCh38, 1-based): chr16:68,810,181, C>T. VCF-style: chr16-68810181-C-T. GRCh37 (hg19) VCF-style: chr16-68844084-C-T.
Other names: c.-928-16C>T (NM_001317185.2); c.-1132-16C>T (NM_001317186.2); c.688-16C>T (NM_001317184.2).
Identifiers: ClinVar variation 3378797 (VCV003378797.1).
Genomic context (GRCh38, chr16:68,810,181, plus strand): 5'-TCTGCTCTGGCTGGGCCCCTTCTCCCATGTTTTCTTCCTCATCAGAGCTCAAGTCACCCT[C>T]ACTTGGTTCTTTCAGCTCTTCTCTCACGCTGTGTCATCCAACGGGAATGCAGTTGAGGAT-3'